The following is an entry in ClinVar:

NM_004329.3(BMPR1A):c.879G>A (p.Ala293=)

Gene: BMPR1A (bone morphogenetic protein receptor type 1A; plus strand). Cytogenetic location: 10q23.2.
Variant type: single nucleotide variant.
Coding change: c.879G>A on transcript NM_004329.3 (MANE Select); coding-DNA position 879, G replaced by A.
Protein change: p.Ala293=; no amino-acid change (alanine 293 retained).
Molecular consequence: synonymous variant.
Genome position (GRCh38, 1-based): chr10:86,919,182, G>A. VCF-style: chr10-86919182-G-A. GRCh37 (hg19) VCF-style: chr10-88678939-G-A.
Identifiers: ClinVar variation 230001 (VCV000230001.23), dbSNP rs770203548, ClinGen allele CA5585630.

ClinVar aggregate classification (germline): Benign/Likely benign. Review status: criteria provided, multiple submitters, no conflicts (2 of 4 stars). 8 submissions from 8 submitters: Benign (2); Likely benign (6). Last evaluated 2026-01-16.

Conditions:
Juvenile polyposis syndrome (JPS). Identifiers: Orphanet 2929, MedGen C0345893, MONDO:0017380, OMIM 174900.
Hereditary cancer-predisposing syndrome. Also called: Hereditary Cancer Syndrome; Neoplastic Syndromes, Hereditary; Tumor predisposition; Hereditary neoplastic syndrome. Identifiers: Orphanet 140162, MedGen C0027672, MeSH D009386, MONDO:0015356.

Allele frequency attached by ClinVar (database versions not stated): ExAC 0.00001; gnomAD exomes 0.00001 and 0.00002; TOPMed 0.00002; gnomAD 0.00006 and 0.00007.
gnomAD v4.1: 27 of 1,613,740 alleles (0.0017%); highest among the groups gnomAD compares: African/African-American, 0.015%; no homozygotes.

Submissions (8):

Labcorp Genetics (formerly Invitae), Labcorp
Classification: Likely benign for Juvenile polyposis syndrome. Last evaluated: 2026-01-16. Review status: criteria provided, single submitter. Criteria: Invitae Variant Classification Sherloc (09022015). Collection method: clinical testing. Allele origin: germline.

KCCC/NGS Laboratory, Kuwait Cancer Control Center
Classification: Benign for Juvenile polyposis syndrome. Last evaluated: 2025-02-01. Review status: criteria provided, single submitter. Criteria: ACMG Guidelines, 2015. Collection method: clinical testing. Allele origin: germline. Affected: no.

Myriad Genetics, Inc.
Classification: Benign for Juvenile polyposis syndrome. Last evaluated: 2024-08-05. Review status: criteria provided, single submitter. Criteria: Myriad Autosomal Dominant, Autosomal Recessive and X-Linked Classification Criteria (2023). Collection method: clinical testing. Allele origin: unknown.
Comment: This variant is considered benign. This variant is a silent/synonymous amino acid change and it is not expected to impact splicing.

All of Us Research Program, National Institutes of Health
Classification: Likely benign for Juvenile polyposis syndrome. Last evaluated: 2023-12-18. Review status: criteria provided, single submitter. Criteria: ACMG Guidelines, 2015. Collection method: clinical testing. Allele origin: germline. Inheritance: Autosomal dominant inheritance. Observed: 9 variant alleles, 9 heterozygotes.
Comment: This study involves interpretation of variants in research participants for the purpose of population health screening. Participant phenotype was not available at the time of variant classification. Additional details can be found in publication PMID: 35346344, PMCID: PMC8962531

Sema4
Classification: Likely benign for Hereditary cancer-predisposing syndrome. Last evaluated: 2022-03-02. Review status: criteria provided, single submitter. Criteria: Sema4 Curation Guidelines. Collection method: curation. Allele origin: germline.

GeneDx
Classification: Likely benign. Last evaluated: 2019-07-25. Review status: criteria provided, single submitter. Criteria: GeneDx Variant Classification Process June 2021. Collection method: clinical testing. Allele origin: germline. Affected: yes.

Color Diagnostics, LLC DBA Color Health
Classification: Likely benign for Hereditary cancer-predisposing syndrome. Last evaluated: 2016-03-09. Review status: criteria provided, single submitter. Criteria: ACMG Guidelines, 2015. Collection method: clinical testing. Allele origin: germline.

Ambry Genetics
Classification: Likely benign for Hereditary cancer-predisposing syndrome. Last evaluated: 2015-01-13. Review status: criteria provided, single submitter. Criteria: Ambry Variant Classification Scheme 2023. Collection method: clinical testing. Allele origin: germline.